The following is an entry in ClinVar:

ClinVar aggregate classification (germline): Uncertain significance. Review status: criteria provided, multiple submitters, no conflicts (2 of 4 stars). 2 submissions from 2 submitters: Uncertain significance (2). Last evaluated 2025-05-04.

Conditions:
Inborn genetic diseases. Identifiers: MedGen C0950123, MeSH D030342.
Leigh syndrome (NULS). Also called: Leigh's syndrome; Subacute necrotizing encephalopathy; Necrotizing encephalopathy infantile subacute of Leigh; Leigh Disease; LEIGH SYNDROME, NUCLEAR; Leigh's necrotizing encephalopathy. Identifiers: Orphanet 506, MedGen C2931891, MONDO:0009723, OMIM 256000.

Allele frequency attached by ClinVar (database versions not stated): gnomAD exomes 0.00001; TOPMed 0.00003; gnomAD 0.00005.

Submissions (2):

Ambry Genetics
Classification: Uncertain significance for Inborn genetic diseases. Last evaluated: 2025-05-04. Review status: criteria provided, single submitter. Criteria: Ambry Variant Classification Scheme 2023. Collection method: clinical testing. Allele origin: germline.

Labcorp Genetics (formerly Invitae), Labcorp
Classification: Uncertain significance for Leigh syndrome. Last evaluated: 2022-07-28. Review status: criteria provided, single submitter. Criteria: Invitae Variant Classification Sherloc (09022015). Collection method: clinical testing. Allele origin: germline.
Comment: This sequence change replaces proline, which is neutral and non-polar, with serine, which is neutral and polar, at codon 136 of the SURF1 protein (p.Pro136Ser). This variant is present in population databases (no rsID available, gnomAD 0.0009%). This variant has not been reported in the literature in individuals affected with SURF1-related conditions. Algorithms developed to predict the effect of missense changes on protein structure and function are either unavailable or do not agree on the potential impact of this missense change (SIFT: "Deleterious"; PolyPhen-2: "Probably Damaging"; Align-GVGD: "Class C0"). In summary, the available evidence is currently insufficient to determine the role of this variant in disease. Therefore, it has been classified as a Variant of Uncertain Significance.

NM_003172.4(SURF1):c.406C>T (p.Pro136Ser)

Gene: SURF1 (SURF1 cytochrome c oxidase assembly factor; minus strand). Cytogenetic location: 9q34.2.
Variant type: single nucleotide variant.
Coding change: c.406C>T on transcript NM_003172.4 (MANE Select); coding-DNA position 406, C replaced by T.
Protein change: p.Pro136Ser; replaces proline 136 with serine.
Molecular consequence: missense variant.
Genome position (GRCh38, 1-based): chr9:133,353,858, G>A on the plus strand (C>T on the coding strand, the complement: SURF1 is on the minus strand). VCF-style: chr9-133353858-G-A. GRCh37 (hg19) VCF-style: chr9-136220713-G-A.
Other names: c.79C>T, p.Pro27Ser (NM_001280787.1); c.406C>T (NM_003172.2); short protein forms P136S, P27S.
Identifiers: ClinVar variation 2188695 (VCV002188695.2), dbSNP rs898493801, ClinGen allele CA200833043.